The following is an entry in ClinVar:

NM_032043.3(BRIP1):c.2136T>C (p.Gly712=)

Gene: BRIP1 (BRCA1 interacting DNA helicase 1; minus strand). Cytogenetic location: 17q23.2.
Variant type: single nucleotide variant.
Coding change: c.2136T>C on transcript NM_032043.3 (MANE Select); coding-DNA position 2136, T replaced by C.
Protein change: p.Gly712=; no amino-acid change (glycine 712 retained).
Molecular consequence: synonymous variant.
Genome position (GRCh38, 1-based): chr17:61,744,553, A>G on the plus strand (T>C on the coding strand, the complement: BRIP1 is on the minus strand). VCF-style: chr17-61744553-A-G. GRCh37 (hg19) VCF-style: chr17-59821914-A-G.
Identifiers: ClinVar variation 761912 (VCV000761912.13), dbSNP rs1426003140, ClinGen allele CA501151360.

ClinVar aggregate classification (germline): Benign/Likely benign. Review status: criteria provided, multiple submitters, no conflicts (2 of 4 stars). 4 submissions from 4 submitters: Benign (1); Likely benign (3). Last evaluated 2026-01-09.

Conditions:
Hereditary cancer-predisposing syndrome. Also called: Hereditary neoplastic syndrome; Neoplastic Syndromes, Hereditary; Hereditary Cancer Syndrome; Tumor predisposition. Identifiers: Orphanet 140162, MedGen C0027672, MeSH D009386, MONDO:0015356.
Familial cancer of breast. Also called: hereditary breast carcinoma; BREAST CANCER, FAMILIAL; Hereditary breast cancer. Identifiers: Orphanet 227535, MedGen C0346153, MONDO:0016419, OMIM 114480. Disease mechanism: loss of function.
Fanconi anemia complementation group J. Also called: BRIP1-Related Fanconi Anemia. Identifiers: Orphanet 84, MedGen C1836860, MONDO:0012187, OMIM 609054.
BRIP1-related disorder. Also called: BRIP1-related condition; BRIP1-related disorders. Identifiers: MedGen CN239206.

Allele frequency attached by ClinVar (database versions not stated): gnomAD exomes below 0.00001; TOPMed below 0.00001; gnomAD 0.00001.
gnomAD v4.1: 2 of 1,613,792 alleles (0.00012%); highest among the groups gnomAD compares: Admixed American, 0.0017%; no homozygotes.

Submissions (4):

PreventionGenetics, part of Exact Sciences
Classification: Likely benign for BRIP1-related condition. Last evaluated: 2026-01-09. Review status: criteria provided, single submitter. Criteria: ACMG Guidelines, 2015. Collection method: clinical testing. Allele origin: germline.
Comment: This variant is classified as likely benign based on ACMG/AMP sequence variant interpretation guidelines (Richards et al. 2015 PMID: 25741868, with internal and published modifications).

Myriad Genetics, Inc.
Classification: Benign for Familial cancer of breast. Last evaluated: 2024-09-03. Review status: criteria provided, single submitter. Criteria: Myriad Autosomal Dominant, Autosomal Recessive and X-Linked Classification Criteria (2023). Collection method: clinical testing. Allele origin: unknown.
Comment: This variant is considered benign. This variant is a silent/synonymous amino acid change and it is not expected to impact splicing.

Ambry Genetics
Classification: Likely benign for Hereditary cancer-predisposing syndrome. Last evaluated: 2019-11-25. Review status: criteria provided, single submitter. Criteria: Ambry Variant Classification Scheme 2023. Collection method: clinical testing. Allele origin: germline.

Labcorp Genetics (formerly Invitae), Labcorp
Classification: Likely benign for Familial cancer of breast; Fanconi anemia complementation group J. Last evaluated: 2018-06-30. Review status: criteria provided, single submitter. Criteria: Invitae Variant Classification Sherloc (09022015). Collection method: clinical testing. Allele origin: germline.